The following is an entry in ClinVar:

NM_000089.4(COL1A2):c.1972-1G>T

Gene: COL1A2 (collagen type I alpha 2 chain; plus strand). Cytogenetic location: 7q21.3.
Variant type: single nucleotide variant.
Coding change: c.1972-1G>T on transcript NM_000089.4 (MANE Select); the canonical splice acceptor site of the intron before coding-DNA position 1972, G replaced by T.
Molecular consequence: splice acceptor variant.
Genome position (GRCh38, 1-based): chr7:94,418,498, G>T. VCF-style: chr7-94418498-G-T. GRCh37 (hg19) VCF-style: chr7-94047810-G-T.
Identifiers: ClinVar variation 1685272 (VCV001685272.2), dbSNP rs2115924241, ClinGen allele CA368222983.

ClinVar aggregate classification (germline): Likely pathogenic. Review status: criteria provided, multiple submitters, no conflicts (2 of 4 stars). 2 submissions from 2 submitters: Likely pathogenic (2). Last evaluated 2024-06-18.

Conditions:
Osteogenesis imperfecta, perinatal lethal (OI2). Also called: OSTEOGENESIS IMPERFECTA, TYPE II; Osteogenesis imperfecta type 2; Osteogenesis imperfecta, dominant perinatal lethal; OI, TYPE II; OSTEOGENESIS IMPERFECTA CONGENITA; VROLIK TYPE OF OSTEOGENESIS IMPERFECTA. Identifiers: Orphanet 216804, MedGen C0268358, MONDO:0008147, OMIM 166210.

Submissions (2):

MVZ Medizinische Genetik Mainz
Classification: Likely pathogenic for Osteogenesis imperfecta, perinatal lethal. Last evaluated: 2024-06-18. Review status: criteria provided, single submitter. Criteria: UK Practice Guidelines For Variant Classification V4 01 2020. Collection method: clinical testing. Allele origin: germline. Inheritance: Autosomal dominant inheritance. Affected: yes. Observed: 1 variant allele.
Comment: ACMG Criteria: PVS1_STR,PM1,PM2_SUP

Mendelics
Classification: Likely pathogenic for Osteogenesis imperfecta, perinatal lethal. Last evaluated: 2022-05-04. Review status: criteria provided, single submitter. Criteria: Mendelics Assertion Criteria 2019. Collection method: clinical testing. Allele origin: germline.